The following is an entry in ClinVar:

NM_001211.6(BUB1B):c.877C>T (p.Gln293Ter)

Gene: BUB1B (BUB1 mitotic checkpoint serine/threonine kinase B; plus strand). Cytogenetic location: 15q15.1.
Variant type: single nucleotide variant.
Coding change: c.877C>T on transcript NM_001211.6 (MANE Select); coding-DNA position 877, C replaced by T.
Protein change: p.Gln293Ter; replaces glutamine 293 with a stop codon.
Molecular consequence: nonsense.
Genome position (GRCh38, 1-based): chr15:40,185,290, C>T. VCF-style: chr15-40185290-C-T. GRCh37 (hg19) VCF-style: chr15-40477491-C-T.
Other names: short protein forms Q293*.
Identifiers: ClinVar variation 1452898 (VCV001452898.6), dbSNP rs2140890776, ClinGen allele CA391684475.

ClinVar aggregate classification (germline): Pathogenic (1 of 4 stars; one submission).

Conditions:
Mosaic variegated aneuploidy syndrome 1 (MVA1). Also called: Warburton-Anyane-Yeboa syndrome. Identifiers: Orphanet 1052, MedGen C1850343, MONDO:0009759, OMIM 257300.

Allele frequency attached by ClinVar (database versions not stated): gnomAD exomes below 0.00001.
gnomAD v4.1: 1 of 1,614,130 alleles (0.000062%); highest among the groups gnomAD compares: Non-Finnish European, 0.000085%; no homozygotes.

Submission:

Labcorp Genetics (formerly Invitae), Labcorp
Classification: Pathogenic for Mosaic variegated aneuploidy syndrome 1. Last evaluated: 2024-02-23. Review status: criteria provided, single submitter. Criteria: Invitae Variant Classification Sherloc (09022015). Collection method: clinical testing. Allele origin: germline.
Comment: This sequence change creates a premature translational stop signal (p.Gln293*) in the BUB1B gene. It is expected to result in an absent or disrupted protein product. Loss-of-function variants in BUB1B are known to be pathogenic (PMID: 15475955, 21190457). This variant is not present in population databases (gnomAD no frequency). This variant has not been reported in the literature in individuals affected with BUB1B-related conditions. ClinVar contains an entry for this variant (Variation ID: 1452898). Algorithms developed to predict the effect of sequence changes on RNA splicing suggest that this variant may disrupt the consensus splice site. For these reasons, this variant has been classified as Pathogenic.

Literature cited by the submitters: PubMed 15475955; PubMed 21190457.